The following is an entry in ClinVar:

NM_178014.4(TUBB):c.877G>T (p.Val293Phe)

Gene: TUBB (tubulin beta class I; plus strand). Cytogenetic location: 6p21.33.
Variant type: single nucleotide variant.
Coding change: c.877G>T on transcript NM_178014.4 (MANE Select); coding-DNA position 877, G replaced by T.
Protein change: p.Val293Phe; replaces valine 293 with phenylalanine.
Molecular consequence: missense variant. On other transcripts: non-coding transcript variant (1), intron variant (1).
Genome position (GRCh38, 1-based): chr6:30,723,939, G>T. VCF-style: chr6-30723939-G-T. GRCh37 (hg19) VCF-style: chr6-30691716-G-T.
Other names: c.937G>T, p.Val313Phe (NM_001293212.2); c.745G>T, p.Val249Phe (NM_001293214.2); c.661G>T, p.Val221Phe (NM_001293215.2, NM_001293216.2); c.370-99G>T (NM_001293213.2); c.877G>T (NM_178014.2); short protein forms V221F, V249F, V293F, V313F.
Identifiers: ClinVar variation 4881018 (VCV004881018.3).

ClinVar aggregate classification (germline): Conflicting classifications of pathogenicity. Review status: criteria provided, conflicting classifications (1 of 4 stars). 2 submissions from 2 submitters: Likely pathogenic (1); Uncertain significance (1). Last evaluated 2026-07-16.

Conditions:
Inborn genetic diseases. Identifiers: MedGen C0950123, MeSH D030342.

Submissions (2):

Ambry Genetics
Classification: Uncertain significance for Inborn genetic diseases. Last evaluated: 2026-07-16. Review status: criteria provided, single submitter. Criteria: Ambry Variant Classification Scheme 2023. Collection method: clinical testing. Allele origin: germline.
Comment: The c.877G>T (p.V293F) alteration is located in exon 4 (coding exon 4) of the TUBB gene. This alteration results from a G to T substitution at nucleotide position 877, causing the valine (V) at amino acid position 293 to be replaced by a phenylalanine (F). This variant was not reported in population-based cohorts in the Genome Aggregation Database (gnomAD). This amino acid position is not well conserved in available vertebrate species. This missense variant is located in a region that has a low rate of benign missense variation (Lek, 2016; Firth, 2009). The in silico prediction for this alteration is inconclusive. Based on insufficient or conflicting evidence, the clinical significance of this alteration remains unclear.

Dasa
Classification: Likely pathogenic. Last evaluated: 2024-12-03. Review status: criteria provided, single submitter. Criteria: DASA Assertion Criteria. Collection method: clinical testing. Allele origin: germline.
Comment: NM_178014.4(TUBB):c.877G>T (p.Val293Phe) is a missense variant that results in the substitution of valine with phenylalanine. The affected residue or protein region has prior evidence supporting clinical relevance. De novo occurrence has been reported in an individual with TUBB-related disorders. This variant is absent from population databases. Based on the currently available evidence, this variant is classified as likely pathogenic.